The following is an entry in ClinVar:

NM_003060.4(SLC22A5):c.160_166dup (p.Ala56fs)

Gene: SLC22A5 (solute carrier family 22 member 5; plus strand). Cytogenetic location: 5q31.1.
Variant type: Duplication.
Coding change: c.160_166dup on transcript NM_003060.4 (MANE Select); coding-DNA positions 160 to 166, 7 bases duplicated (GACGCCG; older notation c.160_166dupGACGCCG).
Protein change: p.Ala56fs; shifts the reading frame from alanine 56.
Molecular consequence: frameshift variant.
Genome position (GRCh38, 1-based): chr5:132,370,132-132,370,138, GACGCCG duplicated; duplicating any 7 consecutive bases within chr5:132,370,128-132,370,138 gives the same sequence; the c. name uses the placement nearest the transcript's 3' end. VCF-style (leftmost placement, unchanged base first): chr5-132370127-T-TGCCGGAC. GRCh37 (hg19) VCF-style: chr5-131705819-T-TGCCGGAC.
Other names: c.160_166dup, p.Ala56fs (NM_001308122.2); short protein forms A56fs.
Identifiers: ClinVar variation 370825 (VCV000370825.16), dbSNP rs1057516797, ClinGen allele CA16040975.
Genomic context (GRCh38, chr5:132,370,127, plus strand): 5'-ATGGCTTCACCGGCCTGTCCTCCGTGTTCCTGATAGCGACCCCGGAGCACCGCTGCCGGG[T>TGCCGGAC]GCCGGACGCCGCGAACCTGAGCAGCGCCTGGCGCAACCACACTGTCCCACTGCGGCTGCG-3'

ClinVar aggregate classification (germline): Pathogenic/Likely pathogenic. Review status: criteria provided, multiple submitters, no conflicts (2 of 4 stars). 5 submissions from 5 submitters: Pathogenic (3); Likely pathogenic (1). 1 of the submissions does not count toward it. Last evaluated 2023-06-01.

Conditions:
Renal carnitine transport defect (CDSP). Also called: Carnitine transporter deficiency; Carnitine Deficiency, Systemic; Primary carnitine deficiency; CARNITINE DEFICIENCY, SYSTEMIC, DUE TO DEFECT IN RENAL REABSORPTION OF CARNITINE; CARNITINE TRANSPORTER, PLASMA-MEMBRANE, DEFICIENCY OF; CARNITINE UPTAKE DEFECT. Identifiers: Orphanet 158, MedGen C0342788, MONDO:0008919, OMIM 212140.

Submissions (5):

Labcorp Genetics (formerly Invitae), Labcorp
Classification: Pathogenic for Renal carnitine transport defect. Last evaluated: 2023-06-01. Review status: criteria provided, single submitter. Criteria: Invitae Variant Classification Sherloc (09022015). Collection method: clinical testing. Allele origin: germline.
Comment: This variant has not been reported in the literature in individuals affected with SLC22A5-related conditions. This variant is not present in population databases (gnomAD no frequency). This sequence change creates a premature translational stop signal (p.Ala56Glyfs*84) in the SLC22A5 gene. It is expected to result in an absent or disrupted protein product. Loss-of-function variants in SLC22A5 are known to be pathogenic (PMID: 9916797). ClinVar contains an entry for this variant (Variation ID: 370825). For these reasons, this variant has been classified as Pathogenic.

Baylor Genetics
Classification: Likely pathogenic for Renal carnitine transport defect. Last evaluated: 2023-03-09. Review status: criteria provided, single submitter. Criteria: ACMG Guidelines, 2015. Collection method: clinical testing. Allele origin: unknown.

Genome-Nilou Lab
Classification: Pathogenic for Renal carnitine transport defect. Last evaluated: 2021-07-15. Review status: criteria provided, single submitter. Criteria: ACMG Guidelines, 2015. Collection method: clinical testing. Allele origin: germline. Affected: no.

Clinical Genetics Service, Universitary Hospital 12 de Octubre
Classification: Pathogenic for Renal carnitine transport defect. Review status: criteria provided, single submitter. Criteria: ACMG Guidelines, 2015. Collection method: clinical testing. Allele origin: paternal. Affected: yes.

Counsyl
Classification: Likely pathogenic for Renal carnitine transport defect. Last evaluated: 2016-04-20. Review status: no assertion criteria provided. Collection method: clinical testing. Allele origin: unknown. Not counted in ClinVar's aggregate classification.

Literature cited by the submitters: PubMed 9916797 (cited by Labcorp Genetics (formerly Invitae), Labcorp).